The following is an entry in ClinVar:

NM_033641.4(COL4A6):c.4812+8C>T

Gene: COL4A6 (collagen type IV alpha 6 chain; minus strand). Cytogenetic location: Xq22.3.
Variant type: single nucleotide variant.
Coding change: c.4812+8C>T on transcript NM_033641.4 (MANE Select); 8 bases into the intron after coding-DNA position 4812, C replaced by T.
Molecular consequence: intron variant.
Genome position (GRCh38, 1-based): chrX:108,159,454, G>A on the plus strand (C>T on the coding strand, the complement: COL4A6 is on the minus strand). VCF-style: chrX-108159454-G-A. GRCh37 (hg19) VCF-style: chrX-107402684-G-A.
Other names: p.?; c.4815+8C>T (NM_001847.4); c.4641+8C>T (NM_001287760.2); c.4740+8C>T (NM_001287759.2); c.4863+8C>T (NM_001287758.2).
Identifiers: ClinVar variation 258280 (VCV000258280.13), dbSNP rs73251797, ClinGen allele CA10487114.

ClinVar aggregate classification (germline): Benign. Review status: criteria provided, multiple submitters, no conflicts (2 of 4 stars). 7 submissions from 7 submitters: Benign (7). Last evaluated 2026-02-02.

Conditions:
Hearing loss, X-linked 6. Also called: Deafness, X-linked 6. Identifiers: Orphanet 90625, MedGen C3806737, MONDO:0010484, OMIM 300914.

Allele frequency attached by ClinVar (database versions not stated): gnomAD exomes 0.04595 and 0.05018; gnomAD 0.05029 and 0.05127; ExAC 0.05289; TOPMed 0.05301; ESP Exome Variant Server 0.05339; 1000 Genomes Project 30x 0.05765; 1000 Genomes Project 0.05828.
gnomAD v4.1: 56,329 of 1,209,962 alleles (4.7%); highest among the groups gnomAD compares: Middle Eastern, 7.7%; 993 homozygotes.

Submissions (7):

Labcorp Genetics (formerly Invitae), Labcorp
Classification: Benign. Last evaluated: 2026-02-02. Review status: criteria provided, single submitter. Criteria: Invitae Variant Classification Sherloc (09022015). Collection method: clinical testing. Allele origin: germline.

Blueprint Genetics
Classification: Benign. Last evaluated: 2024-11-28. Review status: criteria provided, single submitter. Criteria: ACMG Guidelines, 2015. Collection method: clinical testing. Allele origin: germline.

Mayo Clinic Laboratories, Mayo Clinic
Classification: Benign. Last evaluated: 2022-10-10. Review status: criteria provided, single submitter. Criteria: ACMG Guidelines, 2015. Collection method: clinical testing. Allele origin: germline. Observed: 26 variant alleles.

Genome-Nilou Lab
Classification: Benign for Hearing loss, X-linked 6. Last evaluated: 2022-03-15. Review status: criteria provided, single submitter. Criteria: ACMG Guidelines, 2015. Collection method: clinical testing. Allele origin: germline. Affected: no.

GeneDx
Classification: Benign. Last evaluated: 2017-05-09. Review status: criteria provided, single submitter. Criteria: GeneDx Variant Classification (06012015). Collection method: clinical testing. Allele origin: germline. Affected: yes.
Comment: This variant is considered likely benign or benign based on one or more of the following criteria: it is a conservative change, it occurs at a poorly conserved position in the protein, it is predicted to be benign by multiple in silico algorithms, and/or has population frequency not consistent with disease.

Breakthrough Genomics
Classification: Benign. Review status: criteria provided, single submitter. Criteria: ACMG Guidelines, 2015. Collection method: not provided. Allele origin: germline. Inheritance: X-linked inheritance. Affected: yes.

PreventionGenetics, part of Exact Sciences
Classification: Benign. Review status: criteria provided, single submitter. Criteria: ACMG Guidelines, 2015. Collection method: clinical testing. Allele origin: germline.